The following is an entry in ClinVar:

ClinVar aggregate classification (germline): Uncertain significance. Review status: criteria provided, multiple submitters, no conflicts (2 of 4 stars). 2 submissions from 2 submitters: Uncertain significance (2). Last evaluated 2025-03-30.

Conditions:
Hereditary nonpolyposis colorectal neoplasms. Identifiers: MedGen C0009405, MeSH D003123.
Hereditary cancer-predisposing syndrome. Also called: Neoplastic Syndromes, Hereditary; Hereditary Cancer Syndrome; Hereditary neoplastic syndrome; Tumor predisposition. Identifiers: Orphanet 140162, MedGen C0027672, MeSH D009386, MONDO:0015356.

Submissions (2):

Ambry Genetics
Classification: Uncertain significance for Hereditary cancer-predisposing syndrome. Last evaluated: 2025-03-30. Review status: criteria provided, single submitter. Criteria: Ambry Variant Classification Scheme 2023. Collection method: clinical testing. Allele origin: germline.
Comment: The p.L859F variant (also known as c.2575C>T), located in coding exon 4 of the MSH6 gene, results from a C to T substitution at nucleotide position 2575. The leucine at codon 859 is replaced by phenylalanine, an amino acid with highly similar properties. This amino acid position is conserved. In addition, this alteration is predicted to be deleterious by in silico analysis. Based on the available evidence, the clinical significance of this variant remains unclear.

Labcorp Genetics (formerly Invitae), Labcorp
Classification: Uncertain significance for Hereditary nonpolyposis colorectal neoplasms. Last evaluated: 2020-12-19. Review status: criteria provided, single submitter. Criteria: Invitae Variant Classification Sherloc (09022015). Collection method: clinical testing. Allele origin: germline.
Comment: This sequence change replaces leucine with phenylalanine at codon 859 of the MSH6 protein (p.Leu859Phe). The leucine residue is highly conserved and there is a small physicochemical difference between leucine and phenylalanine. This variant is not present in population databases (ExAC no frequency). This variant has not been reported in the literature in individuals with MSH6-related conditions. Algorithms developed to predict the effect of missense changes on protein structure and function are either unavailable or do not agree on the potential impact of this missense change (SIFT: "Deleterious"; PolyPhen-2: "Probably Damaging"; Align-GVGD: "Class C0"). In summary, the available evidence is currently insufficient to determine the role of this variant in disease. Therefore, it has been classified as a Variant of Uncertain Significance.

NM_000179.3(MSH6):c.2575C>T (p.Leu859Phe)

Gene: MSH6 (mutS homolog 6; plus strand). Cytogenetic location: 2p16.3.
Variant type: single nucleotide variant.
Coding change: c.2575C>T on transcript NM_000179.3 (MANE Select); coding-DNA position 2575, C replaced by T.
Protein change: p.Leu859Phe; replaces leucine 859 with phenylalanine.
Molecular consequence: missense variant.
Genome position (GRCh38, 1-based): chr2:47,800,558, C>T. VCF-style: chr2-47800558-C-T. GRCh37 (hg19) VCF-style: chr2-48027697-C-T.
Other names: c.2185C>T, p.Leu729Phe (NM_001281492.2); c.1669C>T, p.Leu557Phe (NM_001281493.2, NM_001281494.2); c.2575C>T (NM_000179.2); short protein forms L557F, L729F, L859F.
Identifiers: ClinVar variation 1419654 (VCV001419654.9), dbSNP rs1553413924, ClinGen allele CA346754762.